The following is an entry in ClinVar:

ClinVar aggregate classification (germline): Uncertain significance. Review status: criteria provided, multiple submitters, no conflicts (2 of 4 stars). 2 submissions from 2 submitters: Uncertain significance (2). Last evaluated 2024-04-16.

Submissions (2):

GeneDx
Classification: Uncertain significance. Last evaluated: 2024-04-16. Review status: criteria provided, single submitter. Criteria: GeneDx Variant Classification Process June 2021. Collection method: clinical testing. Allele origin: germline. Affected: yes.
Comment: Not observed at significant frequency in large population cohorts (gnomAD); In silico analysis indicates that this missense variant does not alter protein structure/function; Has not been previously published as pathogenic or benign to our knowledge

Labcorp Genetics (formerly Invitae), Labcorp
Classification: Uncertain significance. Last evaluated: 2023-12-13. Review status: criteria provided, single submitter. Criteria: Invitae Variant Classification Sherloc (09022015). Collection method: clinical testing. Allele origin: germline.
Comment: This sequence change replaces glycine, which is neutral and non-polar, with alanine, which is neutral and non-polar, at codon 1254 of the STAG1 protein (p.Gly1254Ala). This variant is not present in population databases (gnomAD no frequency). This variant has not been reported in the literature in individuals affected with STAG1-related conditions. Advanced modeling of protein sequence and biophysical properties (such as structural, functional, and spatial information, amino acid conservation, physicochemical variation, residue mobility, and thermodynamic stability) performed at Invitae indicates that this missense variant is not expected to disrupt STAG1 protein function with a negative predictive value of 95%. In summary, the available evidence is currently insufficient to determine the role of this variant in disease. Therefore, it has been classified as a Variant of Uncertain Significance.

NM_005862.3(STAG1):c.3761G>C (p.Gly1254Ala)

Gene: STAG1 (STAG1 cohesin complex component; minus strand). Cytogenetic location: 3q22.3.
Variant type: single nucleotide variant.
Coding change: c.3761G>C on transcript NM_005862.3 (MANE Select); coding-DNA position 3761, G replaced by C.
Protein change: p.Gly1254Ala; replaces glycine 1254 with alanine.
Molecular consequence: missense variant.
Genome position (GRCh38, 1-based): chr3:136,338,270, C>G on the plus strand (G>C on the coding strand, the complement: STAG1 is on the minus strand). VCF-style: chr3-136338270-C-G. GRCh37 (hg19) VCF-style: chr3-136057112-C-G.
Other names: c.3761G>C (NM_005862.2); short protein forms G1254A.
Identifiers: ClinVar variation 2702969 (VCV002702969.4), dbSNP rs1935782463, ClinGen allele CA354651235.